The following is an entry in ClinVar:

NR_003051.4(RMRP):n.144G>T

Gene: RMRP (RNA component of mitochondrial RNA processing endoribonuclease; minus strand). Cytogenetic location: 9p13.3.
Variant type: single nucleotide variant.
Molecular consequence: non-coding transcript variant (on NR_003051.4).
Genome position: GRCh38 VCF-style: chr9-35657876-C-A. GRCh37 (hg19) VCF-style: chr9-35657873-C-A.
Identifiers: ClinVar variation 3729798 (VCV003729798.1).
Genomic context (GRCh38, chr9:35,657,876, plus strand): 5'-GGGAGCTGACGGATGACGCCCCCGCGCCACGCCGCTCAGCGGGATACGCTTCTTGGCGGA[C>A]TTTGGAGTGGGAAGCGGGGAATGTCTACGTGCGTATGCACGTGGCACTCTCTGCCCGAGG-3'

ClinVar aggregate classification (germline): Uncertain significance (1 of 4 stars; one submission).

Conditions:
Anauxetic dysplasia. Identifiers: Orphanet 93347, MedGen C1846796, MONDO:0011773.

Submission:

Labcorp Genetics (formerly Invitae), Labcorp
Classification: Uncertain significance for Anauxetic dysplasia. Last evaluated: 2025-01-29. Review status: criteria provided, single submitter. Criteria: Invitae Variant Classification Sherloc (09022015). Collection method: clinical testing. Allele origin: germline.
Comment: This variant occurs in the RMRP gene, which encodes an RNA molecule that does not result in a protein product. This variant is not present in population databases (gnomAD no frequency). This variant has not been reported in the literature in individuals affected with RMRP-related conditions. Experimental studies and prediction algorithms are not available or were not evaluated, and the functional significance of this variant is currently unknown. In summary, the available evidence is currently insufficient to determine the role of this variant in disease. Therefore, it has been classified as a Variant of Uncertain Significance.